The following is an entry in ClinVar:

NM_001111.5(ADAR):c.110G>T (p.Ser37Ile)

Gene: ADAR (adenosine deaminase RNA specific; minus strand). Cytogenetic location: 1q21.3.
Variant type: single nucleotide variant.
Coding change: c.110G>T on transcript NM_001111.5 (MANE Select); coding-DNA position 110, G replaced by T.
Protein change: p.Ser37Ile; replaces serine 37 with isoleucine.
Molecular consequence: missense variant. On other transcripts: 5 prime UTR variant (6).
Genome position (GRCh38, 1-based): chr1:154,602,532, C>A on the plus strand (G>T on the coding strand, the complement: ADAR is on the minus strand). VCF-style: chr1-154602532-C-A. GRCh37 (hg19) VCF-style: chr1-154575008-C-A.
Other names: c.-776G>T (NM_001025107.3, NM_001193495.2, NM_001365048.1); c.137G>T, p.Ser46Ile (NM_001365045.1); c.-640G>T (NM_001365046.1, NM_001365047.1, NM_001365049.1); c.110G>T, p.Ser37Ile (NM_015840.4, NM_015841.4); short protein forms S37I, S46I.
Identifiers: ClinVar variation 2065020 (VCV002065020.4), dbSNP rs2526672001, ClinGen allele CA342606884.

ClinVar aggregate classification (germline): Uncertain significance (1 of 4 stars; one submission).

Conditions:
Symmetrical dyschromatosis of extremities (DSH). Also called: Dyschromatosis symmetrica hereditaria; RETICULATE ACROPIGMENTATION OF DOHI; SYMMETRIC DYSCHROMATOSIS OF THE EXTREMITIES; DYSCHROMATOSIS SYMMETRICA HEREDITARIA 1. Identifiers: Orphanet 41, MedGen C0406775, MONDO:0007483, OMIM 127400.
Aicardi-Goutieres syndrome 6 (AGS6). Identifiers: Orphanet 51, MedGen C3539013, MONDO:0014007, OMIM 615010.

Submission:

Labcorp Genetics (formerly Invitae), Labcorp
Classification: Uncertain significance for Aicardi-Goutieres syndrome 6; Symmetrical dyschromatosis of extremities. Last evaluated: 2022-07-21. Review status: criteria provided, single submitter. Criteria: Invitae Variant Classification Sherloc (09022015). Collection method: clinical testing. Allele origin: germline.
Comment: In summary, the available evidence is currently insufficient to determine the role of this variant in disease. Therefore, it has been classified as a Variant of Uncertain Significance. Algorithms developed to predict the effect of missense changes on protein structure and function (SIFT, PolyPhen-2, Align-GVGD) all suggest that this variant is likely to be tolerated. This variant has not been reported in the literature in individuals affected with ADAR-related conditions. This variant is not present in population databases (gnomAD no frequency). This sequence change replaces serine, which is neutral and polar, with isoleucine, which is neutral and non-polar, at codon 37 of the ADAR protein (p.Ser37Ile).